The following is an entry in ClinVar:

ClinVar aggregate classification (germline): Pathogenic. Review status: criteria provided, single submitter (1 of 4 stars). 2 submissions from 2 submitters: Pathogenic (1). 1 of the submissions does not count toward it. Last evaluated 2023-02-13.

Conditions:
Achondrogenesis, type IB (ACG1B). Also called: Achondrogenesis Type 1B. Identifiers: Orphanet 932, Orphanet 93298, MedGen C0265274, MONDO:0010966, OMIM 600972.
Multiple epiphyseal dysplasia type 4 (EDM4). Also called: MULTIPLE EPIPHYSEAL DYSPLASIA WITH BILAYERED PATELLAE; MULTIPLE EPIPHYSEAL DYSPLASIA WITH CLUBFOOT; MULTIPLE EPIPHYSEAL DYSPLASIA, AUTOSOMAL RECESSIVE; SLC26A2-Related Multiple Epiphyseal Dysplasia; Multiple Epiphyseal Dysplasia, Recessive. Identifiers: Orphanet 93307, MedGen C1847593, MONDO:0009189, OMIM 226900.
Atelosteogenesis type II (AO2). Also called: SLC26A2-Related Atelosteogenesis; NEONATAL OSSEOUS DYSPLASIA I; Neonatal osseous dysplasia 1. Identifiers: Orphanet 56304, MedGen C1850554, MONDO:0009727, OMIM 256050.
Diastrophic dysplasia (DTD). Also called: Diastrophic dwarfism. Identifiers: Orphanet 628, MedGen C0220726, MONDO:0009107, OMIM 222600.

Submissions (2):

Labcorp Genetics (formerly Invitae), Labcorp
Classification: Pathogenic for Atelosteogenesis type II; Multiple epiphyseal dysplasia type 4; Achondrogenesis, type IB; Diastrophic dysplasia. Last evaluated: 2023-02-13. Review status: criteria provided, single submitter. Criteria: Invitae Variant Classification Sherloc (09022015). Collection method: clinical testing. Allele origin: germline.
Comment: This variant disrupts a region of the SLC26A2 protein in which other variant(s) (p.Ala715Val) have been determined to be pathogenic (PMID: 11448940, 15294877, 21077204). This suggests that this is a clinically significant region of the protein, and that variants that disrupt it are likely to be disease-causing. ClinVar contains an entry for this variant (Variation ID: 556756). This variant has not been reported in the literature in individuals affected with SLC26A2-related conditions. This variant is not present in population databases (gnomAD no frequency). This sequence change creates a premature translational stop signal (p.Leu309Phefs*33) in the SLC26A2 gene. While this is not anticipated to result in nonsense mediated decay, it is expected to disrupt the last 431 amino acid(s) of the SLC26A2 protein. For these reasons, this variant has been classified as Pathogenic.

Counsyl
Classification: Likely pathogenic for Multiple epiphyseal dysplasia type 4. Last evaluated: 2018-02-23. Review status: no assertion criteria provided. Collection method: clinical testing. Allele origin: unknown. Not counted in ClinVar's aggregate classification.

Literature cited by the submitters: PubMed 11448940 (cited by Labcorp Genetics (formerly Invitae), Labcorp); PubMed 15294877 (cited by Labcorp Genetics (formerly Invitae), Labcorp); PubMed 21077204 (cited by Labcorp Genetics (formerly Invitae), Labcorp).

NM_000112.4(SLC26A2):c.925del (p.Leu309fs)

Gene: SLC26A2 (solute carrier family 26 member 2; plus strand). Cytogenetic location: 5q32.
Variant type: Deletion.
Coding change: c.925del on transcript NM_000112.4 (MANE Select); coding-DNA position 925, one base deleted (C; older notation c.925delC).
Protein change: p.Leu309fs; shifts the reading frame from leucine 309.
Molecular consequence: frameshift variant.
Genome position (GRCh38, 1-based): chr5:149,980,518, C deleted; the last of 2 consecutive C bases (chr5:149,980,517-149,980,518); deleting either gives the same sequence. VCF-style (leftmost placement, unchanged base first): chr5-149980516-GC-G. GRCh37 (hg19) VCF-style: chr5-149360079-GC-G.
Other names: c.925delC (NM_000112.3); short protein forms L309fs.
Identifiers: ClinVar variation 556756 (VCV000556756.5), dbSNP rs1554095296, ClinGen allele CA658822217.